The following is an entry in ClinVar:

NM_018127.7(ELAC2):c.1706del (p.Leu569fs)

Gene: ELAC2 (elaC ribonuclease Z 2; minus strand). Cytogenetic location: 17p12.
Variant type: Deletion.
Coding change: c.1706del on transcript NM_018127.7 (MANE Select); coding-DNA position 1706, one base deleted (T; older notation c.1706delT).
Protein change: p.Leu569fs; shifts the reading frame from leucine 569.
Molecular consequence: frameshift variant.
Genome position (GRCh38, 1-based): chr17:12,995,805, A deleted on the plus strand (T on the coding strand, the reverse complement: ELAC2 is on the minus strand); the first of 3 consecutive A bases (chr17:12,995,805-12,995,807); deleting any one gives the same sequence. VCF-style (leftmost placement, unchanged base first): chr17-12995804-CA-C. GRCh37 (hg19) VCF-style: chr17-12899121-CA-C.
Other names: c.1586del, p.Leu529fs (NM_001165962.2); c.1703del, p.Leu568fs (NM_173717.2); short protein forms L568fs, L529fs, L569fs.
Identifiers: ClinVar variation 1451714 (VCV001451714.6), dbSNP rs2143562536, ClinGen allele CA2573153047.

ClinVar aggregate classification (germline): Pathogenic (1 of 4 stars; one submission).

Conditions:
Combined oxidative phosphorylation defect type 17. Also called: Combined oxidative phosphorylation deficiency 17. Identifiers: Orphanet 369913, MedGen C3809526, MONDO:0014190, OMIM 615440.

Submission:

Labcorp Genetics (formerly Invitae), Labcorp
Classification: Pathogenic for Combined oxidative phosphorylation defect type 17. Last evaluated: 2021-09-21. Review status: criteria provided, single submitter. Criteria: Invitae Variant Classification Sherloc (09022015). Collection method: clinical testing. Allele origin: germline.
Comment: This sequence change creates a premature translational stop signal (p.Leu569Trpfs*36) in the ELAC2 gene. It is expected to result in an absent or disrupted protein product. Loss-of-function variants in ELAC2 are known to be pathogenic (PMID: 27769300, 31045291). This variant is not present in population databases (ExAC no frequency). This variant has not been reported in the literature in individuals affected with ELAC2-related conditions. For these reasons, this variant has been classified as Pathogenic.

Literature cited by the submitters: PubMed 27769300; PubMed 31045291.